The following is an entry in ClinVar:

NM_014476.6(PDLIM3):c.697G>C (p.Val233Leu)

Gene: PDLIM3 (PDZ and LIM domain 3; minus strand). Cytogenetic location: 4q35.1.
Variant type: single nucleotide variant.
Coding change: c.697G>C on transcript NM_014476.6 (MANE Select); coding-DNA position 697, G replaced by C.
Protein change: p.Val233Leu; replaces valine 233 with leucine.
Molecular consequence: missense variant. On other transcripts: non-coding transcript variant (1).
Genome position (GRCh38, 1-based): chr4:185,506,618, C>G on the plus strand (G>C on the coding strand, the complement: PDLIM3 is on the minus strand). VCF-style: chr4-185506618-C-G. GRCh37 (hg19) VCF-style: chr4-186427772-C-G.
Other names: c.553G>C, p.Val185Leu (NM_001114107.5); c.433G>C, p.Val145Leu (NM_001257962.2); c.196G>C, p.Val66Leu (NM_001257963.2); short protein forms V233L, V145L, V185L, V66L.
Identifiers: ClinVar variation 378351 (VCV000378351.19), dbSNP rs143121072, ClinGen allele CA3159720.

ClinVar aggregate classification (germline): Likely benign. Review status: criteria provided, multiple submitters, no conflicts (2 of 4 stars). 6 submissions from 6 submitters: Likely benign (4). 2 of the submissions do not count toward it. Last evaluated 2025-12-29.

Conditions:
Hypertrophic cardiomyopathy. Also called: HYPERTROPHIC MYOCARDIOPATHY. Identifiers: Orphanet 217569, MedGen C0007194, MeSH D002312, MONDO:0005045, HP:0001639.
Primary dilated cardiomyopathy (DCM). Also called: Dilated Cardiomyopathy. Identifiers: Orphanet 217604, MedGen C0007193, MeSH D002311, MONDO:0005021, HP:0001644. Inheritance: Various modes of inheritance.
Cardiomyopathy (CMYO). Also called: Cardiomyopathies. Identifiers: Orphanet 167848, MedGen C0878544, MONDO:0004994, HP:0001638. Inheritance: Various modes of inheritance.

Allele frequency attached by ClinVar (database versions not stated): 1000 Genomes Project 30x 0.00016; gnomAD 0.00016; 1000 Genomes Project 0.00020; ESP Exome Variant Server 0.00031; TOPMed 0.00037.
gnomAD v4.1: 688 of 1,609,282 alleles (0.043%); highest among the groups gnomAD compares: Admixed American, 0.087%; no homozygotes.

Submissions (6):

Labcorp Genetics (formerly Invitae), Labcorp
Classification: Likely benign for Hypertrophic cardiomyopathy; Primary dilated cardiomyopathy. Last evaluated: 2025-12-29. Review status: criteria provided, single submitter. Criteria: Invitae Variant Classification Sherloc (09022015). Collection method: clinical testing. Allele origin: germline.

Women's Health and Genetics/Laboratory Corporation of America, LabCorp
Classification: Likely benign. Last evaluated: 2025-03-24. Review status: criteria provided, single submitter. Criteria: LabCorp Variant Classification Summary - May 2015. Collection method: clinical testing. Allele origin: germline.
Comment: Variant summary: PDLIM3 c.697G>C (p.Val233Leu) results in a conservative amino acid change in the encoded protein sequence. Three of five in-silico tools predict a damaging effect of the variant on protein function. The variant allele was found at a frequency of 0.00044 in 247070 control chromosomes. The observed variant frequency is approximately 34.97 fold of the estimated maximal expected allele frequency for a pathogenic variant in PDLIM3 causing Hypertrophic Cardiomyopathy phenotype (1.3e-05). c.697G>C has been reported in the literature in individuals affected with pediatric dilated cardiomyopathy (Khan_2021). These report(s) do not provide unequivocal conclusions about association of the variant with Hypertrophic Cardiomyopathy. To our knowledge, no experimental evidence demonstrating an impact on protein function has been reported. The following publication has been ascertained in the context of this evaluation (PMID: 34935411). ClinVar contains an entry for this variant (Variation ID: 378351). Based on the evidence outlined above, the variant was classified as likely benign.

GeneDx
Classification: Likely benign. Last evaluated: 2021-05-04. Review status: criteria provided, single submitter. Criteria: GeneDx Variant Classification Process June 2021. Collection method: clinical testing. Allele origin: germline. Affected: yes.
Comment: Likely benign by 2 clinical reports; This variant is associated with the following publications: (PMID: 26498160, 28771489)

Center for Advanced Laboratory Medicine, UC San Diego Health, University of California San Diego
Classification: Likely benign for Cardiomyopathy. Last evaluated: 2017-04-12. Review status: criteria provided, single submitter. Criteria: ACMG Guidelines, 2015. Collection method: clinical testing. Allele origin: germline. Affected: yes. Observed: 1 variant allele.

Clinical Genetics DNA and cytogenetics Diagnostics Lab, Erasmus MC, Erasmus Medical Center
Classification: Likely benign. Review status: no assertion criteria provided. Collection method: clinical testing. Allele origin: germline. Affected: yes. Study: VKGL Data-share Consensus. Not counted in ClinVar's aggregate classification.

Genome Diagnostics Laboratory, University Medical Center Utrecht
Classification: Likely benign. Review status: no assertion criteria provided. Collection method: clinical testing. Allele origin: germline. Affected: yes. Study: VKGL Data-share Consensus. Not counted in ClinVar's aggregate classification.

Literature cited by the submitters: PubMed 34935411 (cited by Women's Health and Genetics/Laboratory Corporation of America, LabCorp).